The following is an entry in ClinVar:

ClinVar aggregate classification (germline): Conflicting classifications of pathogenicity. Review status: criteria provided, conflicting classifications (1 of 4 stars). 6 submissions from 6 submitters: Uncertain significance (5); Likely benign (1). Last evaluated 2026-02-01.

Conditions:
Malignant hyperthermia, susceptibility to, 5 (MHS5). Also called: CACNA1S-Related Malignant Hyperthermia Susceptibility. Identifiers: Orphanet 423, MedGen C1866077, MONDO:0011163, OMIM 601887.
Hypokalemic periodic paralysis, type 1. Also called: Hypokalemic Periodic Paralysis Type 1 (AD); HypoPP. Identifiers: Orphanet 681, MedGen C3714580, MONDO:0042979, OMIM 170400.
Thyrotoxic periodic paralysis, susceptibility to, 1 (TTPP1). Identifiers: Orphanet 79102, MedGen C2749982, MONDO:0008570, OMIM 188580.
Congenital myopathy 18. Also called: Myopathy, congenital, due to dihydropyridine receptor defect; DIHYDROPYRIDINE RECEPTOR CONGENITAL MYOPATHY; DHPR CONGENITAL MYOPATHY. Identifiers: MedGen C5830283, MONDO:0859514, OMIM 620246.
Inborn genetic diseases. Identifiers: MedGen C0950123, MeSH D030342.

Allele frequency attached by ClinVar (database versions not stated): TOPMed 0.00001; gnomAD 0.00002; gnomAD exomes 0.00003.
gnomAD v4.1: 51 of 1,613,106 alleles (0.0032%); highest among the groups gnomAD compares: Non-Finnish European, 0.0041%; no homozygotes.

Submissions (6):

Labcorp Genetics (formerly Invitae), Labcorp
Classification: Likely benign for Hypokalemic periodic paralysis, type 1; Malignant hyperthermia, susceptibility to, 5. Last evaluated: 2026-02-01. Review status: criteria provided, single submitter. Criteria: Invitae Variant Classification Sherloc (09022015). Collection method: clinical testing. Allele origin: germline.

All of Us Research Program, National Institutes of Health
Classification: Uncertain significance for Malignant hyperthermia, susceptibility to, 5. Last evaluated: 2024-09-27. Review status: criteria provided, single submitter. Criteria: ACMG Guidelines, 2015. Collection method: clinical testing. Allele origin: germline. Inheritance: Autosomal dominant inheritance. Observed: 21 variant alleles, 21 heterozygotes.
Comment: This missense variant replaces valine with methionine at codon 1422 of the CACNA1S protein. Computational prediction suggests that this variant may not impact protein structure and function (internally defined REVEL score threshold <= 0.5, PMID: 27666373). To our knowledge, functional studies have not been reported for this variant. This variant has not been reported in individuals affected with CACNA1S-related disorders in the literature. This variant has been identified in 9/280514 chromosomes in the general population by the Genome Aggregation Database (gnomAD). The available evidence is insufficient to determine the role of this variant in disease conclusively. Therefore, this variant is classified as a Variant of Uncertain Significance.

This study involves interpretation of variants in research participants for the purpose of population health screening. Participant phenotype was not available at the time of variant classification. Additional details can be found in publication PMID: 35346344, PMCID: PMC8962531

Fulgent Genetics
Classification: Uncertain significance for Hypokalemic periodic paralysis, type 1; Thyrotoxic periodic paralysis, susceptibility to, 1; Malignant hyperthermia, susceptibility to, 5; Congenital myopathy 18. Last evaluated: 2024-06-18. Review status: criteria provided, single submitter. Criteria: ACMG Guidelines, 2015. Collection method: clinical testing. Allele origin: germline.

Ambry Genetics
Classification: Uncertain significance for Inborn genetic diseases. Last evaluated: 2024-03-25. Review status: criteria provided, single submitter. Criteria: Ambry Variant Classification Scheme 2023. Collection method: clinical testing. Allele origin: germline.

Color Diagnostics, LLC DBA Color Health
Classification: Uncertain significance for Malignant hyperthermia, susceptibility to, 5. Last evaluated: 2024-03-06. Review status: criteria provided, single submitter. Criteria: ACMG Guidelines, 2015. Collection method: clinical testing. Allele origin: germline.
Comment: This missense variant replaces valine with methionine at codon 1422 of the CACNA1S protein. Computational prediction suggests that this variant may not impact protein structure and function. To our knowledge, functional studies have not been reported for this variant. This variant has not been reported in individuals affected with CACNA1S-related disorders in the literature. This variant has been identified in 9/280514 chromosomes in the general population by the Genome Aggregation Database (gnomAD). The available evidence is insufficient to determine the role of this variant in disease conclusively. Therefore, this variant is classified as a Variant of Uncertain Significance.

GeneDx
Classification: Uncertain significance. Last evaluated: 2019-05-13. Review status: criteria provided, single submitter. Criteria: GeneDx Variant Classification Process June 2021. Collection method: clinical testing. Allele origin: germline. Affected: yes.
Comment: Has not been previously published as pathogenic or benign to our knowledge; In silico analysis, which includes protein predictors and evolutionary conservation, supports a deleterious effect

NM_000069.3(CACNA1S):c.4264G>A (p.Val1422Met)

Gene: CACNA1S (calcium voltage-gated channel subunit alpha1 S; minus strand). Cytogenetic location: 1q32.1.
Variant type: single nucleotide variant.
Coding change: c.4264G>A on transcript NM_000069.3 (MANE Select); coding-DNA position 4264, G replaced by A.
Protein change: p.Val1422Met; replaces valine 1422 with methionine.
Molecular consequence: missense variant.
Genome position (GRCh38, 1-based): chr1:201,049,077, C>T on the plus strand (G>A on the coding strand, the complement: CACNA1S is on the minus strand). VCF-style: chr1-201049077-C-T. GRCh37 (hg19) VCF-style: chr1-201018205-C-T.
Other names: short protein forms V1422M.
Identifiers: ClinVar variation 1317041 (VCV001317041.11), dbSNP rs1224786667, ClinGen allele CA344146480.
Genomic context (GRCh38, chr1:201,049,077, plus strand): 5'-GATGTGGGCAGAACTTCCCAAAGCCCAGAGGGGGCTGAATCCTTCTCAGCAGGGTCACCA[C>T]GTCCAGGTGTTTGATTCTCCCCCTGCGGGAGGACACACAGACTTGTGTACCTGCTACCCT-3'
Protein context (NP_000060.2, residues 1412-1432): EAKGRIKHLD[Val1422Met]VTLLRRIQPP